The following is an entry in ClinVar:

ClinVar aggregate classification (germline): Benign (1 of 4 stars; one submission).

Allele frequency attached by ClinVar (database versions not stated): gnomAD 0.06313 and 0.06759; TOPMed 0.07120; 1000 Genomes Project 0.07648; 1000 Genomes Project 30x 0.08245.
gnomAD v4.1: 9,530 of 152,232 alleles (6.3%); highest among the groups gnomAD compares: African/African-American, 22%; 1,027 homozygotes.

Submission:

GeneDx
Classification: Benign. Last evaluated: 2018-06-19. Review status: criteria provided, single submitter. Criteria: GeneDx Variant Classification (06012015). Collection method: clinical testing. Allele origin: germline. Affected: yes.
Comment: This variant is considered likely benign or benign based on one or more of the following criteria: it is a conservative change, it occurs at a poorly conserved position in the protein, it is predicted to be benign by multiple in silico algorithms, and/or has population frequency not consistent with disease.

NM_001330078.2(NRXN1):c.2879+182T>C

Gene: NRXN1 (neurexin 1; minus strand). Cytogenetic location: 2p16.3.
Variant type: single nucleotide variant.
Coding change: c.2879+182T>C on transcript NM_001330078.2 (MANE Select); 182 bases into the intron after coding-DNA position 2879, T replaced by C.
Molecular consequence: intron variant.
Genome position (GRCh38, 1-based): chr2:50,497,151, A>G on the plus strand (T>C on the coding strand, the complement: NRXN1 is on the minus strand). VCF-style: chr2-50497151-A-G. GRCh37 (hg19) VCF-style: chr2-50724289-A-G.
Other names: c.2768+182T>C (NM_001330096.2, NM_001330087.2); c.2813+182T>C (NM_001330083.2, NM_001330084.2); c.2798+182T>C (NM_001330088.2); c.2876+182T>C (NM_001330093.2); c.2867+182T>C (NM_001330094.2); c.2828+182T>C (NM_001330095.2); c.2855+182T>C (NM_001330082.2, NM_001330077.2); c.2852+182T>C (NM_001330085.2); and 2 more.
Identifiers: ClinVar variation 672979 (VCV000672979.1), dbSNP rs13386253, ClinGen allele CA47360235.
Genomic context (GRCh38, chr2:50,497,151, plus strand): 5'-ATTAGAGCCCAATGTAATTTGTATCTCATATGTGAAAATGTAGGTGCAAAAAACTGTCCT[A>G]AATCCATATTAATTTAAGATACCTAAGAGATGATTTAAACAAATGCCTTCTTATTTGTCC-3'